The following is an entry in ClinVar:

ClinVar aggregate classification (germline): Benign/Likely benign. Review status: criteria provided, multiple submitters, no conflicts (2 of 4 stars). 2 submissions from 2 submitters: Benign (1); Likely benign (1). Last evaluated 2025-03-18.

Conditions:
Juvenile polyposis/hereditary hemorrhagic telangiectasia syndrome (JPHT). Also called: JP/HHT SYNDROME; JUVENILE POLYPOSIS WITH HEREDITARY HEMORRHAGIC TELANGIECTASIA; POLYPOSIS, GENERALIZED JUVENILE, WITH PULMONARY ARTERIOVENOUS MALFORMATION; TELANGIECTASIA, HEREDITARY HEMORRHAGIC, WITH JUVENILE POLYPOSIS COLI; Juvenile Polyposis Syndrome / Hereditary Hemorrhagic Telangiectasia (JPS/HHT). Identifiers: Orphanet 2929, MedGen C1832942, MONDO:0008278, OMIM 175050.
Juvenile polyposis syndrome (JPS). Identifiers: Orphanet 2929, MedGen C0345893, MONDO:0017380, OMIM 174900.

Submissions (2):

Myriad Genetics, Inc.
Classification: Benign for Juvenile polyposis/hereditary hemorrhagic telangiectasia syndrome. Last evaluated: 2025-03-18. Review status: criteria provided, single submitter. Criteria: Myriad Autosomal Dominant, Autosomal Recessive and X-Linked Classification Criteria (2023). Collection method: clinical testing. Allele origin: unknown.
Comment: This variant is considered benign. This variant is a silent/synonymous amino acid change and it is not expected to impact splicing.

Labcorp Genetics (formerly Invitae), Labcorp
Classification: Likely benign for Juvenile polyposis syndrome. Last evaluated: 2022-02-18. Review status: criteria provided, single submitter. Criteria: Invitae Variant Classification Sherloc (09022015). Collection method: clinical testing. Allele origin: germline.

NM_005359.6(SMAD4):c.33A>C (p.Thr11=)

Gene: SMAD4 (SMAD family member 4; plus strand). Cytogenetic location: 18q21.2.
Variant type: single nucleotide variant.
Coding change: c.33A>C on transcript NM_005359.6 (MANE Select); coding-DNA position 33, A replaced by C.
Protein change: p.Thr11=; no amino-acid change (threonine 11 retained).
Molecular consequence: synonymous variant. On other transcripts: non-coding transcript variant (2).
Genome position (GRCh38, 1-based): chr18:51,047,079, A>C. VCF-style: chr18-51047079-A-C. GRCh37 (hg19) VCF-style: chr18-48573449-A-C.
Other names: c.33A>C, p.Thr11= (NM_001407043.1, NM_001407041.1, NM_001407042.1).
Identifiers: ClinVar variation 2098213 (VCV002098213.5), dbSNP rs2144400389, ClinGen allele CA503873392.